The following is an entry in ClinVar:

NM_015981.4(CAMK2A):c.556C>T (p.Arg186Trp)

Gene: CAMK2A (calcium/calmodulin dependent protein kinase II alpha; minus strand). Cytogenetic location: 5q32.
Variant type: single nucleotide variant.
Coding change: c.556C>T on transcript NM_015981.4 (MANE Select); coding-DNA position 556, C replaced by T.
Protein change: p.Arg186Trp; replaces arginine 186 with tryptophan.
Molecular consequence: missense variant.
Genome position (GRCh38, 1-based): chr5:150,252,024, G>A on the plus strand (C>T on the coding strand, the complement: CAMK2A is on the minus strand). VCF-style: chr5-150252024-G-A. GRCh37 (hg19) VCF-style: chr5-149631587-G-A.
Other names: NM_171825.3:c.556C>T; c.556C>T, p.Arg186Trp (NM_001363989.1, NM_001363990.1, NM_001369025.2 and 1 more transcripts); short protein forms R186W.
Identifiers: ClinVar variation 4819463 (VCV004819463.3).

ClinVar aggregate classification (germline): Uncertain significance. Review status: criteria provided, multiple submitters, no conflicts (2 of 4 stars). 2 submissions from 2 submitters: Uncertain significance (2). Last evaluated 2026-03-02.

Conditions:
Intellectual developmental disorder, autosomal dominant 53. Also called: MENTAL RETARDATION, AUTOSOMAL DOMINANT 53; Intellectual disability, autosomal dominant 53. Identifiers: MedGen C4540481, MONDO:0030919, OMIM 617798.

Submissions (2):

Broad Center for Mendelian Genomics, Broad Institute of MIT and Harvard
Classification: Uncertain significance for Intellectual developmental disorder, autosomal dominant 53. Last evaluated: 2026-03-02. Review status: criteria provided, single submitter. Criteria: ACMG Guidelines, 2015. Collection method: research. Allele origin: germline. Inheritance: Autosomal dominant inheritance.
Comment: Trio exome analysis showed this variant to be de novo. The p.Arg186Trp variant in CAMK2A has not been previously reported in the literature in individuals with neurodevelopmental disorders and was absent from large population studies. Computational prediction tools and conservation analyses do not provide strong support for or against an impact to the protein. The number of missense variants reported in CAMK2A in the general population is lower than expected, suggesting there is little benign variation in this gene and slightly increasing the possibility that a missense variant in this gene may not be tolerated. In summary, while there is some suspicion for a pathogenic role, the clinical significance of this variant is uncertain. ACMG/AMP Criteria applied: PP2, PM2_supporting, PS2_supporting (Richards 2015).

Dasa
Classification: Uncertain significance. Last evaluated: 2025-01-03. Review status: criteria provided, single submitter. Criteria: DASA Assertion Criteria. Collection method: clinical testing. Allele origin: germline.
Comment: NM_015981.4(CAMK2A):c.556C>T (p.Arg186Trp) is a missense variant that results in the substitution of arginine with tryptophan. This variant is absent from population databases. The currently available literature and clinical evidence are not sufficient to establish a definitive association between this variant and the reported condition. Therefore, this variant is classified as a variant of uncertain significance.